The following is an entry in ClinVar:

ClinVar aggregate classification (germline): Uncertain significance (1 of 4 stars; one submission).

Submission:

GeneDx
Classification: Uncertain significance. Last evaluated: 2026-03-22. Review status: criteria provided, single submitter. Criteria: GeneDx Variant Classification Process June 2021. Collection method: clinical testing. Allele origin: germline.
Comment: Not observed at significant frequency in large population cohorts (gnomAD); In silico analysis supports a deleterious effect on splicing; Has not been previously published as pathogenic or benign to our knowledge

NM_152296.5(ATP1A3):c.3013+5G>A

Gene: ATP1A3 (ATPase Na+/K+ transporting subunit alpha 3; minus strand). Cytogenetic location: 19q13.2.
Variant type: single nucleotide variant.
Coding change: c.3013+5G>A on transcript NM_152296.5 (MANE Select); 5 bases into the intron after coding-DNA position 3013, G replaced by A.
Molecular consequence: intron variant.
Genome position (GRCh38, 1-based): chr19:41,967,244, C>T on the plus strand (G>A on the coding strand, the complement: ATP1A3 is on the minus strand). VCF-style: chr19-41967244-C-T. GRCh37 (hg19) VCF-style: chr19-42471396-C-T.
Other names: c.3052+5G>A (NM_001256214.2); c.3046+5G>A (NM_001256213.2).
Identifiers: ClinVar variation 5016931 (VCV005016931.1).